The following is an entry in ClinVar:

NM_004370.6(COL12A1):c.5122A>G (p.Thr1708Ala)

Gene: COL12A1 (collagen type XII alpha 1 chain; minus strand). Cytogenetic location: 6q13.
Variant type: single nucleotide variant.
Coding change: c.5122A>G on transcript NM_004370.6 (MANE Select); coding-DNA position 5122, A replaced by G.
Protein change: p.Thr1708Ala; replaces threonine 1708 with alanine.
Molecular consequence: missense variant.
Genome position (GRCh38, 1-based): chr6:75,138,556, T>C on the plus strand (A>G on the coding strand, the complement: COL12A1 is on the minus strand). VCF-style: chr6-75138556-T-C. GRCh37 (hg19) VCF-style: chr6-75848272-T-C.
Other names: c.5122A>G, p.Thr1708Ala (NM_001424113.1, NM_001424114.1); c.4849A>G, p.Thr1617Ala (NM_001424115.1); c.1630A>G, p.Thr544Ala (NM_001424116.1, NM_080645.3); short protein forms T1617A, T1708A, T544A.
Identifiers: ClinVar variation 3750312 (VCV003750312.2).
Genomic context (GRCh38, chr6:75,138,556, plus strand): 5'-AGATGGCAGTAATGGAAACTTCATAGATGGTGTTGGGGTTCAGGTTTTCGAACACCAAAG[T>C]GTTTTCATCTCCATTTAAGATGGTCTTGGAGAAAGAGGACAAAAACATACCCACGCAAAA-3'
Protein context (NP_004361.3, residues 1698-1718): METILNGDEN[Thr1708Ala]LVFENLNPNT

ClinVar aggregate classification (germline): Uncertain significance (1 of 4 stars; one submission).

Conditions:
Ullrich congenital muscular dystrophy 2 (UCMD2). Identifiers: Orphanet 75840, MedGen C4225314, MONDO:0014654, OMIM 616470.
Bethlem myopathy 2 (BTHLM2). Identifiers: Orphanet 536516, Orphanet 610, MedGen C4225313, MONDO:0034022, OMIM 616471.

Submission:

Labcorp Genetics (formerly Invitae), Labcorp
Classification: Uncertain significance for Bethlem myopathy 2; Ullrich congenital muscular dystrophy 2. Last evaluated: 2024-04-10. Review status: criteria provided, single submitter. Criteria: Invitae Variant Classification Sherloc (09022015). Collection method: clinical testing. Allele origin: germline.
Comment: This sequence change replaces threonine, which is neutral and polar, with alanine, which is neutral and non-polar, at codon 1708 of the COL12A1 protein (p.Thr1708Ala). This variant is not present in population databases (gnomAD no frequency). This variant has not been reported in the literature in individuals affected with COL12A1-related conditions. Advanced modeling of protein sequence and biophysical properties (such as structural, functional, and spatial information, amino acid conservation, physicochemical variation, residue mobility, and thermodynamic stability) performed at Invitae indicates that this missense variant is not expected to disrupt COL12A1 protein function with a negative predictive value of 80%. In summary, the available evidence is currently insufficient to determine the role of this variant in disease. Therefore, it has been classified as a Variant of Uncertain Significance.